The following is an entry in ClinVar:

ClinVar aggregate classification (germline): Likely pathogenic. Review status: criteria provided, single submitter (1 of 4 stars). 2 submissions from 2 submitters: Likely pathogenic (1). 1 of the submissions does not count toward it. Last evaluated 2023-11-14.

Conditions:
Wilson disease (WND). Also called: Wilson's disease. Identifiers: Orphanet 905, MedGen C0019202, MONDO:0010200, OMIM 277900. Disease mechanism: loss of function.

Submissions (2):

Labcorp Genetics (formerly Invitae), Labcorp
Classification: Likely pathogenic for Wilson disease. Last evaluated: 2023-11-14. Review status: criteria provided, single submitter. Criteria: Invitae Variant Classification Sherloc (09022015). Collection method: clinical testing. Allele origin: germline.
Comment: This sequence change affects an acceptor splice site in intron 8 of the ATP7B gene. It is expected to disrupt RNA splicing. Variants that disrupt the donor or acceptor splice site typically lead to a loss of protein function (PMID: 16199547), and loss-of-function variants in ATP7B are known to be pathogenic (PMID: 10441329, 16283883). This variant is not present in population databases (gnomAD no frequency). Disruption of this splice site has been observed in individual(s) with Wilson disease (PMID: 27022412). ClinVar contains an entry for this variant (Variation ID: 558148). Algorithms developed to predict the effect of sequence changes on RNA splicing suggest that this variant may disrupt the consensus splice site. In summary, the currently available evidence indicates that the variant is pathogenic, but additional data are needed to prove that conclusively. Therefore, this variant has been classified as Likely Pathogenic.

Counsyl
Classification: Likely pathogenic for Wilson disease. Last evaluated: 2018-04-30. Review status: no assertion criteria provided. Collection method: clinical testing. Allele origin: unknown. Not counted in ClinVar's aggregate classification.

Literature cited by the submitters: PubMed 16199547 (cited by Labcorp Genetics (formerly Invitae), Labcorp); PubMed 10441329 (cited by Labcorp Genetics (formerly Invitae), Labcorp); PubMed 16283883 (cited by Labcorp Genetics (formerly Invitae), Labcorp); PubMed 27022412 (cited by Labcorp Genetics (formerly Invitae), Labcorp).

NM_000053.4(ATP7B):c.2356-1G>A

Gene: ATP7B (ATPase copper transporting beta; minus strand). Cytogenetic location: 13q14.3.
Variant type: single nucleotide variant.
Coding change: c.2356-1G>A on transcript NM_000053.4 (MANE Select); the canonical splice acceptor site of the intron before coding-DNA position 2356, G replaced by A.
Molecular consequence: splice acceptor variant. On other transcripts: intron variant (1).
Genome position (GRCh38, 1-based): chr13:51,957,608, C>T on the plus strand (G>A on the coding strand, the complement: ATP7B is on the minus strand). VCF-style: chr13-51957608-C-T. GRCh37 (hg19) VCF-style: chr13-52531744-C-T.
Other names: c.2122-1G>A (NM_001406534.1, NM_001406538.1, NM_001330578.2 and 2 more transcripts); c.2212-1G>A (NM_001406520.1, NM_001406537.1, NM_001406521.1 and 1 more transcripts); c.2356-1G>A (NM_001406535.1, NM_001406519.1, NM_001406515.1 and 7 more transcripts); c.2260-1G>A (NM_001406518.1, NM_001406517.1); c.1927-1G>A (NM_001406539.1); c.1774-1G>A (NM_001406544.1); c.2026-1G>A (NM_001406536.1); c.2116-1G>A (NM_001406530.1); and 8 more.
Identifiers: ClinVar variation 558148 (VCV000558148.5), dbSNP rs1555290925, ClinGen allele CA388020428.